The following is an entry in ClinVar:

ClinVar aggregate classification (germline): Pathogenic (1 of 4 stars; one submission).

Conditions:
Arrhythmogenic cardiomyopathy with wooly hair and keratoderma. Also called: Dilated cardiomyopathy with woolly hair and keratoderma; Carvajal syndrome; Arrhythmogenic cardiomyopathy with woolly hair and keratoderma; PALMOPLANTAR KERATODERMA WITH LEFT VENTRICULAR CARDIOMYOPATHY AND WOOLLY HAIR. Identifiers: Orphanet 65282, MedGen C1854063, MONDO:0011581, OMIM 605676.
Arrhythmogenic right ventricular dysplasia 8 (ARVD8). Also called: Arrhythmogenic Right Ventricular Dysplasia/Cardiomyopathy 8; ARRHYTHMOGENIC RIGHT VENTRICULAR DYSPLASIA, FAMILIAL, 8; ARRHYTHMOGENIC RIGHT VENTRICULAR CARDIOMYOPATHY 8. Identifiers: MedGen C1843896, MONDO:0011831, OMIM 607450.

Submission:

Labcorp Genetics (formerly Invitae), Labcorp
Classification: Pathogenic for Arrhythmogenic cardiomyopathy with wooly hair and keratoderma; Arrhythmogenic right ventricular dysplasia 8. Last evaluated: 2022-08-27. Review status: criteria provided, single submitter. Criteria: Invitae Variant Classification Sherloc (09022015). Collection method: clinical testing. Allele origin: germline.
Comment: For these reasons, this variant has been classified as Pathogenic. This variant has not been reported in the literature in individuals affected with DSP-related conditions. This variant is not present in population databases (gnomAD no frequency). This sequence change creates a premature translational stop signal (p.Glu1484Glyfs*2) in the DSP gene. It is expected to result in an absent or disrupted protein product. Loss-of-function variants in DSP are known to be pathogenic (PMID: 20716751, 24503780, 25227139).

Literature cited by the submitters: PubMed 20716751; PubMed 24503780; PubMed 25227139.

NM_004415.4(DSP):c.4451_4454del (p.Glu1484fs)

Gene: DSP (desmoplakin; plus strand). Cytogenetic location: 6p24.3.
Variant type: Deletion.
Coding change: c.4451_4454del on transcript NM_004415.4 (MANE Select); coding-DNA positions 4451 to 4454, 4 bases deleted (AAAG; older notation c.4451_4454delAAAG).
Protein change: p.Glu1484fs; shifts the reading frame from glutamic acid 1484.
Molecular consequence: frameshift variant. On other transcripts: intron variant (2).
Genome position (GRCh38, 1-based): chr6:7,580,641-7,580,644, AAAG deleted; deleting any 4 consecutive bases within chr6:7,580,639-7,580,644 gives the same sequence; the c. name uses the placement nearest the transcript's 3' end. VCF-style (leftmost placement, unchanged base first): chr6-7580638-TAGAA-T. GRCh37 (hg19) VCF-style: chr6-7580871-TAGAA-T.
Other names: c.4050+401_4050+404del (NM_001319034.2); c.3582+869_3582+872del (NM_001008844.3); short protein forms E1484fs.
Identifiers: ClinVar variation 2027295 (VCV002027295.4), dbSNP rs1759401240, ClinGen allele CA1608617480.